The following is an entry in ClinVar:

NM_001386298.1(CIC):c.7158_7159del (p.Phe2387fs)

Gene: CIC (capicua transcriptional repressor; plus strand). Cytogenetic location: 19q13.2.
Variant type: Microsatellite.
Coding change: c.7158_7159del on transcript NM_001386298.1 (MANE Select); coding-DNA positions 7158 to 7159, 2 bases deleted (CT; older notation c.7158_7159delCT).
Protein change: p.Phe2387fs; shifts the reading frame from phenylalanine 2387.
Molecular consequence: frameshift variant.
Genome position (GRCh38, 1-based): chr19:42,294,707-42,294,708, CT deleted; deleting any 2 consecutive bases within chr19:42,294,705-42,294,708 gives the same sequence; the c. name uses the placement nearest the transcript's 3' end. VCF-style (leftmost placement, unchanged base first): chr19-42294704-GCT-G. GRCh37 (hg19) VCF-style: chr19-42798856-GCT-G.
Other names: c.4431_4432delCT (NM_015125.4); c.7158_7159del, p.Phe2387fs (NM_001304815.2); c.7155_7156del, p.Phe2386fs (NM_001379480.1, NM_001379482.1, NM_001439183.1); c.4425_4426del, p.Phe1476fs (NM_001379484.1, NM_001439191.1); c.4422_4423del, p.Phe1475fs (NM_001379485.1); c.7152_7153del, p.Phe2385fs (NM_001439184.1, NM_001439185.1, NM_001439186.1); c.7149_7150del, p.Phe2384fs (NM_001439187.1); c.7146_7147del, p.Phe2383fs (NM_001439188.1); and 3 more; short protein forms F2383fs, F2384fs, F2386fs, F1477fs, F1478fs, F1476fs, F2385fs, F1475fs.
Identifiers: ClinVar variation 4991706 (VCV004991706.1).

ClinVar aggregate classification (germline): Uncertain significance (1 of 4 stars; one submission).

Conditions:
CIC-related disorder. Also called: CIC-related condition.

Submission:

PreventionGenetics, part of Exact Sciences
Classification: Uncertain significance for CIC-related condition. Last evaluated: 2026-07-10. Review status: criteria provided, single submitter. Criteria: ACMG Guidelines, 2015. Collection method: clinical testing. Allele origin: germline.
Comment: The CIC c.4431_4432delCT variant is predicted to result in a frameshift and premature protein termination (p.Phe1478Serfs*35). This variant is located in the second last exon. The predicted premature stop codon falls in the last exon of the gene; thus nonsense mediated decay is not expected to occur. To our knowledge, this variant has not been reported in the literature or in a large population database (gnomAD), indicating this variant is rare. Although we suspect that this variant may be pathogenic, at this time, the clinical significance of this variant is uncertain due to the absence of conclusive functional and genetic evidence.